The following is an entry in ClinVar:

NC_000001.10:g.(?_33473829)_(33478866_?)del

Gene: AK2 (adenylate kinase 2; minus strand). Cytogenetic location: 1p35.1.
Variant type: Deletion.
Identifiers: ClinVar variation 1457960 (VCV001457960.5).

ClinVar aggregate classification (germline): Pathogenic (1 of 4 stars; one submission).

Conditions:
Reticular dysgenesis. Also called: ALEUKOCYTOSIS; CONGENITAL ALEUKIA; HEMATOPOIETIC HYPOPLASIA, GENERALIZED; RETICULAR DYSGENESIA; SEVERE COMBINED IMMUNODEFICIENCY WITH LEUKOPENIA; DeVaal disease. Identifiers: Orphanet 33355, MedGen C0272167, MONDO:0009973, OMIM 267500.

Submission:

Labcorp Genetics (formerly Invitae), Labcorp
Classification: Pathogenic for Reticular dysgenesis. Last evaluated: 2022-07-12. Review status: criteria provided, single submitter. Criteria: Invitae Variant Classification Sherloc (09022015). Collection method: clinical testing. Allele origin: germline.
Comment: For these reasons, this variant has been classified as Pathogenic. This variant is also known as NM_013411.4:c.636_*2601del. A similar copy number variant has been observed in individual(s) with severe combined immunodeficiency (PMID: 19043417). This variant results in the deletion of part of exon 6 (NM_001625.3:c.636_*4953) of the AK2 gene. While this deletion is not anticipated to lead to nonsense mediated decay, it is expected to alter mRNA translation or result in a truncated protein product.

Literature cited by the submitters: PubMed 19043417.